The following is an entry in ClinVar:

NM_001386140.1(MTTP):c.1342A>T (p.Lys448Ter)

Gene: MTTP (microsomal triglyceride transfer protein; plus strand). Cytogenetic location: 4q23.
Variant type: single nucleotide variant.
Coding change: c.1342A>T on transcript NM_001386140.1 (MANE Select); coding-DNA position 1342, A replaced by T.
Protein change: p.Lys448Ter; replaces lysine 448 with a stop codon.
Molecular consequence: nonsense.
Genome position (GRCh38, 1-based): chr4:99,601,712, A>T. VCF-style: chr4-99601712-A-T. GRCh37 (hg19) VCF-style: chr4-100522869-A-T.
Other names: c.1342A>T, p.Lys448Ter (NM_000253.4); c.1093A>T, p.Lys365Ter (NM_001300785.2); short protein forms K365*, K448*.
Identifiers: ClinVar variation 5010587 (VCV005010587.1).
Genomic context (GRCh38, chr4:99,601,712, plus strand): 5'-GTTATGATCATCACTGGGACACTTGTCAGAAAGTTGTGTCAGAATGAAGGCTGCAAACTC[A>T]AAGTAAGTGCAAATCCAATCTCATGTATTACATCATTCTACACCATTGTCCATTTGATAC-3'

ClinVar aggregate classification (germline): Pathogenic (1 of 4 stars; one submission).

Conditions:
Abetalipoproteinaemia (ABL). Also called: MTP DEFICIENCY; Abetalipoproteinemia; Abetalipoproteinemia neuropathy; Apolipoprotein B deficiency; Congenital betalipoprotein deficiency syndrome. Identifiers: Orphanet 14, MedGen C0000744, MONDO:0008692, OMIM 200100, HP:0008181.

Submission:

Myriad Genetics, Inc.
Classification: Pathogenic for Abetalipoproteinaemia. Last evaluated: 2024-05-14. Review status: criteria provided, single submitter. Criteria: Myriad Autosomal Dominant, Autosomal Recessive and X-Linked Classification Criteria (2023). Collection method: clinical testing. Allele origin: unknown.
Comment: NM_000253.2(MTTP):c.1342A>T(K448*) is expected to be pathogenic in the context of abetalipoproteinemia. This variant is predicted to lead to an abnormal or absent protein product due to the creation of a premature termination codon in MTTP, a gene where loss-of-function variants are known to be pathogenic. Please note: this variant was assessed in the context of healthy population screening.